The following is an entry in ClinVar:

ClinVar aggregate classification (germline): Pathogenic (1 of 4 stars; one submission).

Allele frequency attached by ClinVar (database versions not stated): gnomAD exomes below 0.00001.
gnomAD v4.1: 3 of 1,570,394 alleles (0.00019%); highest among the groups gnomAD compares: South Asian, 0.0035%; no homozygotes.

Submission:

GeneDx
Classification: Pathogenic. Last evaluated: 2017-11-06. Review status: criteria provided, single submitter. Criteria: GeneDx Variant Classification (06012015). Collection method: clinical testing. Allele origin: germline. Affected: yes.
Comment: In contrast, E6X was not reported in large population cohorts, indicating that it is not a benign polymorphism (Lek et al., 2016). This nonsense variant is predicted to cause loss of normal protein function either through protein truncation or nonsense-mediated mRNA decay. In summary, we interpret E6X as a pathogenic variant.

NM_016006.6(ABHD5):c.16G>T (p.Glu6Ter)

Genes: ANO10 (anoctamin 10; minus strand), ABHD5 (abhydrolase domain containing 5, lysophosphatidic acid acyltransferase; plus strand). Cytogenetic location: 3p21.33.
Variant type: single nucleotide variant.
Coding change: c.16G>T on transcript NM_016006.6 (MANE Select); coding-DNA position 16, G replaced by T.
Protein change: p.Glu6Ter; replaces glutamic acid 6 with a stop codon.
Molecular consequence: nonsense. On other transcripts: non-coding transcript variant (1), intron variant (2).
Genome position (GRCh38, 1-based): chr3:43,691,008, G>T. VCF-style: chr3-43691008-G-T. GRCh37 (hg19) VCF-style: chr3-43732500-G-T.
Other names: c.16G>T, p.Glu6Ter (NM_001355186.2, NM_001365650.1); c.-12+509C>A (NM_001346469.2, NM_001346468.2); short protein forms E6*.
Identifiers: ClinVar variation 523800 (VCV000523800.4), dbSNP rs1553614642, ClinGen allele CA352343606.